The following is an entry in ClinVar:

NM_001042492.3(NF1):c.7872T>A (p.Ala2624=)

Gene: NF1 (neurofibromin 1; plus strand). Cytogenetic location: 17q11.2.
Variant type: single nucleotide variant.
Coding change: c.7872T>A on transcript NM_001042492.3 (MANE Select); coding-DNA position 7872, T replaced by A.
Protein change: p.Ala2624=; no amino-acid change (alanine 2624 retained).
Molecular consequence: synonymous variant.
Genome position (GRCh38, 1-based): chr17:31,357,271, T>A. VCF-style: chr17-31357271-T-A. GRCh37 (hg19) VCF-style: chr17-29684289-T-A.
Other names: c.7809T>A, p.Ala2603= (NM_000267.4).
Identifiers: ClinVar variation 753467 (VCV000753467.13), dbSNP rs1399938334, ClinGen allele CA499239494.
Genomic context (GRCh38, chr17:31,357,271, plus strand): 5'-ATAACAATTCAGCCACAAAGTAAAAATGTTGTGTGTTTACTTTTTTGCATCTTGGCAGGC[T>A]ACACTGGTAAAATATACCACAGATGAGTTTGATCAACGAATTCTTTATGAATACTTAGCA-3'
Protein context (NP_001035957.1, residues 2614-2634): KIQALLLTVL[Ala2624=]TLVKYTTDEF

ClinVar aggregate classification (germline): Benign/Likely benign. Review status: criteria provided, multiple submitters, no conflicts (2 of 4 stars). 3 submissions from 3 submitters: Benign (1); Likely benign (2). Last evaluated 2026-05-22.

Conditions:
Neurofibromatosis, type 1 (NF1). Also called: NEUROFIBROMATOSIS, TYPE I, SOMATIC; Peripheral type neurofibromatosis; VON RECKLINGHAUSEN DISEASE; Neurofibromatosis, type I. Identifiers: Orphanet 636, MedGen C0027831, MONDO:0018975, OMIM 162200. Disease mechanism: loss of function.
Cardiovascular phenotype. Identifiers: MedGen CN230736.
Hereditary cancer-predisposing syndrome. Also called: Tumor predisposition; Hereditary Cancer Syndrome; Hereditary neoplastic syndrome; Neoplastic Syndromes, Hereditary. Identifiers: Orphanet 140162, MedGen C0027672, MeSH D009386, MONDO:0015356.

Allele frequency attached by ClinVar (database versions not stated): gnomAD exomes below 0.00001 and 0.00001; TOPMed below 0.00001; gnomAD 0.00001.
gnomAD v4.1: 20 of 1,613,620 alleles (0.0012%); highest among the groups gnomAD compares: Non-Finnish European, 0.0016%; no homozygotes.

Submissions (3):

Myriad Genetics, Inc.
Classification: Benign for Neurofibromatosis, type 1. Last evaluated: 2026-05-22. Review status: criteria provided, single submitter. Criteria: Myriad Autosomal Dominant, Autosomal Recessive and X-Linked Classification Criteria (2023). Collection method: clinical testing. Allele origin: unknown.
Comment: This variant is considered benign. This variant is a silent/synonymous amino acid change and it is not expected to impact splicing.

Labcorp Genetics (formerly Invitae), Labcorp
Classification: Likely benign for Neurofibromatosis, type 1. Last evaluated: 2025-07-02. Review status: criteria provided, single submitter. Criteria: Invitae Variant Classification Sherloc (09022015). Collection method: clinical testing. Allele origin: germline.

Ambry Genetics
Classification: Likely benign for Cardiovascular phenotype; Hereditary cancer-predisposing syndrome. Last evaluated: 2022-03-03. Review status: criteria provided, single submitter. Criteria: Ambry Variant Classification Scheme 2023. Collection method: clinical testing. Allele origin: germline.